The following is an entry in ClinVar:

ClinVar aggregate classification (germline): Uncertain significance (1 of 4 stars; one submission).

Conditions:
Combined immunodeficiency due to LRBA deficiency. Also called: Common variable immunodeficiency 8, with autoimmunity. Identifiers: Orphanet 445018, MedGen C3553512, MONDO:0013863, OMIM 614700.

gnomAD v4.1: 1 of 1,612,094 alleles (0.000062%); highest among the groups gnomAD compares: African/African-American, 0.0013%; no homozygotes.

Submission:

Labcorp Genetics (formerly Invitae), Labcorp
Classification: Uncertain significance for Combined immunodeficiency due to LRBA deficiency. Last evaluated: 2022-07-19. Review status: criteria provided, single submitter. Criteria: Invitae Variant Classification Sherloc (09022015). Collection method: clinical testing. Allele origin: germline.
Comment: In summary, the available evidence is currently insufficient to determine the role of this variant in disease. Therefore, it has been classified as a Variant of Uncertain Significance. Algorithms developed to predict the effect of missense changes on protein structure and function (SIFT, PolyPhen-2, Align-GVGD) all suggest that this variant is likely to be tolerated. ClinVar contains an entry for this variant (Variation ID: 1382237). This variant has not been reported in the literature in individuals affected with LRBA-related conditions. This variant is not present in population databases (gnomAD no frequency). This sequence change replaces aspartic acid, which is acidic and polar, with asparagine, which is neutral and polar, at codon 1762 of the LRBA protein (p.Asp1762Asn).

NM_001364905.1(LRBA):c.5284G>A (p.Asp1762Asn)

Gene: LRBA (LPS responsive beige-like anchor protein; minus strand). Cytogenetic location: 4q31.3.
Variant type: single nucleotide variant.
Coding change: c.5284G>A on transcript NM_001364905.1 (MANE Select); coding-DNA position 5284, G replaced by A.
Protein change: p.Asp1762Asn; replaces aspartic acid 1762 with asparagine.
Molecular consequence: missense variant.
Genome position (GRCh38, 1-based): chr4:150,817,145, C>T on the plus strand (G>A on the coding strand, the complement: LRBA is on the minus strand). VCF-style: chr4-150817145-C-T. GRCh37 (hg19) VCF-style: chr4-151738297-C-T.
Other names: c.5284G>A, p.Asp1762Asn (NM_001199282.3, NM_001367550.1, NM_006726.5); short protein forms D1762N.
Identifiers: ClinVar variation 1382237 (VCV001382237.6), dbSNP rs752859431, ClinGen allele CA358610210.
Genomic context (GRCh38, chr4:150,817,145, plus strand): 5'-TAAAAACATTTTTGTTGAAATCACTGATAACTAACTCACCTGGTGATTCTCCTCCCATAT[C>T]TGAGGCTTGGGCTGAATCTACTGAGGAAACCACACTGACAGCATTGGTAGGTATGCTTGT-3'
Protein context (NP_001351834.1, residues 1752-1772): VSSVDSAQAS[Asp1762Asn]MGGESPGSRS